The following is an entry in ClinVar:

ClinVar aggregate classification (germline): Uncertain significance (1 of 4 stars; one submission).

Conditions:
RPGR-related disorder. Also called: RPGR-related condition.

Submission:

PreventionGenetics, part of Exact Sciences
Classification: Uncertain significance for RPGR-related condition. Last evaluated: 2025-12-23. Review status: criteria provided, single submitter. Criteria: ACMG Guidelines, 2015. Collection method: clinical testing. Allele origin: germline.
Comment: The RPGR c.2716G>A variant is predicted to result in the amino acid substitution p.Glu906Lys. To our knowledge, this variant has not been reported in the literature or in a large population database (gnomAD), indicating this variant is rare. At this time, the clinical significance of this variant is uncertain due to the absence of conclusive functional and genetic evidence.

NM_001034853.2(RPGR):c.2716G>A (p.Glu906Lys)

Gene: RPGR (retinitis pigmentosa GTPase regulator; minus strand). Cytogenetic location: Xp11.4.
Variant type: single nucleotide variant.
Coding change: c.2716G>A on transcript NM_001034853.2 (MANE Select); coding-DNA position 2716, G replaced by A.
Protein change: p.Glu906Lys; replaces glutamic acid 906 with lysine.
Molecular consequence: missense variant. On other transcripts: intron variant (8).
Genome position (GRCh38, 1-based): chrX:38,286,283, C>T on the plus strand (G>A on the coding strand, the complement: RPGR is on the minus strand). VCF-style: chrX-38286283-C-T. GRCh37 (hg19) VCF-style: chrX-38145536-C-T.
Other names: c.1569+4676G>A (NM_001367249.1, NM_001367250.1); c.1902+811G>A (NM_001367245.1); c.1386+4676G>A (NM_001367251.1); c.1719+811G>A (NM_001367246.1); c.1572+4676G>A (NM_001367247.1); c.1905+811G>A (NM_000328.3); c.1602+4676G>A (NM_001367248.1); short protein forms E906K.
Identifiers: ClinVar variation 4983512 (VCV004983512.1).
Genomic context (GRCh38, chrX:38,286,283, plus strand): 5'-CTCCTTCCTCCTCCCCTTTCCCTTCTCCTTCCTCCTCTTCTCCCTCCCCTTCTCCTTCCT[C>T]TTCTCCCTCCCCTTCTCCTTCCTCCTCTTCTCCCTCCCCTTCTCCTTCCTCTTCTCCCTC-3'
Protein context (NP_001030025.1, residues 896-916): EEEEGEGEGE[Glu906Lys]EGEGEGEEEE